The following is an entry in ClinVar:

ClinVar aggregate classification (germline): Uncertain significance. Review status: criteria provided, multiple submitters, no conflicts (2 of 4 stars). 2 submissions from 2 submitters: Uncertain significance (2). Last evaluated 2025-12-06.

Conditions:
RASopathy. Also called: Noonan spectrum disorder; rasopathies. Identifiers: Orphanet 536391, MedGen C5555857, MONDO:0021060.
BRAF-related disorder. Also called: BRAF-related condition.

Submissions (2):

3billion
Classification: Uncertain significance for BRAF-related disorder. Last evaluated: 2025-12-06. Review status: criteria provided, single submitter. Criteria: ACMG Guidelines, 2015. Collection method: clinical testing. Allele origin: germline. Affected: yes.
Comment: The variant is not observed in the gnomAD v4.1.0 dataset. Predicted Consequence/Location: Missense variant. Missense changes are a common disease-causing mechanism. The variant is located in a mutational hot spot and/or well-established functional domain in which established pathogenic variants have been reported (PMID: 29493581). In silico tool predictions suggest damaging effect of the variant on gene or gene product [REVEL: 0.89 (>=0.6, sensitivity 0.68 and specificity 0.92); 3Cnet: 0.99 (> 0.75, sensitivity 0.96 and precision 0.92)]. The variant has been reported as of uncertain significance (ClinVar ID: VCV001405108). Therefore, this variant is classified as VUS according to the recommendation of ACMG/AMP guideline.

Labcorp Genetics (formerly Invitae), Labcorp
Classification: Uncertain significance for RASopathy. Last evaluated: 2021-01-26. Review status: criteria provided, single submitter. Criteria: Invitae Variant Classification Sherloc (09022015). Collection method: clinical testing. Allele origin: germline.
Comment: This sequence change replaces alanine with serine at codon 621 of the BRAF protein (p.Ala621Ser). The alanine residue is highly conserved and there is a moderate physicochemical difference between alanine and serine. In summary, the available evidence is currently insufficient to determine the role of this variant in disease. Therefore, it has been classified as a Variant of Uncertain Significance. Algorithms developed to predict the effect of missense changes on protein structure and function (SIFT, PolyPhen-2, Align-GVGD) all suggest that this variant is likely to be disruptive, but these predictions have not been confirmed by published functional studies and their clinical significance is uncertain. This variant has not been reported in the literature in individuals with BRAF-related conditions. This variant is not present in population databases (ExAC no frequency).

NM_004333.6(BRAF):c.1861G>T (p.Ala621Ser)

Gene: BRAF (B-Raf proto-oncogene, serine/threonine kinase; minus strand). Cytogenetic location: 7q34.
Variant type: single nucleotide variant.
Coding change: c.1861G>T on transcript NM_004333.6 (MANE Select); coding-DNA position 1861, G replaced by T.
Protein change: p.Ala621Ser; replaces alanine 621 with serine.
Molecular consequence: missense variant.
Genome position (GRCh38, 1-based): chr7:140,749,418, C>A on the plus strand (G>T on the coding strand, the complement: BRAF is on the minus strand). VCF-style: chr7-140749418-C-A. GRCh37 (hg19) VCF-style: chr7-140449218-C-A.
Other names: c.1861G>T, p.Ala621Ser (NM_001354609.2, NM_001378468.1, NM_001378474.1); c.1981G>T, p.Ala661Ser (NM_001374244.1, NM_001374258.1); c.1870G>T, p.Ala624Ser (NM_001378467.1); c.1795G>T, p.Ala599Ser (NM_001378469.1); c.1759G>T, p.Ala587Ser (NM_001378470.1); c.1750G>T, p.Ala584Ser (NM_001378471.1); c.1705G>T, p.Ala569Ser (NM_001378472.1, NM_001378473.1); c.1597G>T, p.Ala533Ser (NM_001378475.1); short protein forms A584S, A624S, A661S, A533S, A587S, A599S, A569S, A621S.
Identifiers: ClinVar variation 1405108 (VCV001405108.9), dbSNP rs2128994651, ClinGen allele CA369541493.